The following is an entry in ClinVar:

ClinVar aggregate classification (germline): Uncertain significance (1 of 4 stars; one submission).

Submission:

Ambry Genetics
Classification: Uncertain significance. Last evaluated: 2022-05-19. Review status: criteria provided, single submitter. Criteria: Ambry Variant Classification Scheme 2023. Collection method: clinical testing. Allele origin: germline.
Comment: The p.H69Y variant (also known as c.205C>T), located in coding exon 2 of the BUB3 gene, results from a C to T substitution at nucleotide position 205. The histidine at codon 69 is replaced by tyrosine, an amino acid with similar properties. This amino acid position is conserved. In addition, this alteration is predicted to be deleterious by in silico analysis. Since supporting evidence is limited at this time, the clinical significance of this alteration remains unclear.

NM_004725.4(BUB3):c.205C>T (p.His69Tyr)

Gene: BUB3 (BUB3 mitotic checkpoint protein; plus strand). Cytogenetic location: 10q26.13.
Variant type: single nucleotide variant.
Coding change: c.205C>T on transcript NM_004725.4 (MANE Select); coding-DNA position 205, C replaced by T.
Protein change: p.His69Tyr; replaces histidine 69 with tyrosine.
Molecular consequence: missense variant.
Genome position (GRCh38, 1-based): chr10:123,155,667, C>T. VCF-style: chr10-123155667-C-T. GRCh37 (hg19) VCF-style: chr10-124915183-C-T.
Other names: c.205C>T, p.His69Tyr (NM_001007793.3); short protein forms H69Y.
Identifiers: ClinVar variation 1785191 (VCV001785191.2), dbSNP rs2493756666, ClinGen allele CA378625172.